The following is an entry in ClinVar:

NM_005515.4(MNX1):c.1192C>T (p.Pro398Ser)

Gene: MNX1 (motor neuron and pancreas homeobox 1; minus strand). Cytogenetic location: 7q36.3.
Variant type: single nucleotide variant.
Coding change: c.1192C>T on transcript NM_005515.4 (MANE Select); coding-DNA position 1192, C replaced by T.
Protein change: p.Pro398Ser; replaces proline 398 with serine.
Molecular consequence: missense variant.
Genome position (GRCh38, 1-based): chr7:157,005,534, G>A on the plus strand (C>T on the coding strand, the complement: MNX1 is on the minus strand). VCF-style: chr7-157005534-G-A. GRCh37 (hg19) VCF-style: chr7-156798228-G-A.
Other names: c.1192C>T (NM_005515.3); c.556C>T, p.Pro186Ser (NM_001165255.2); short protein forms P186S, P398S.
Identifiers: ClinVar variation 1414609 (VCV001414609.9), dbSNP rs1384670116, ClinGen allele CA370161241.

ClinVar aggregate classification (germline): Uncertain significance (1 of 4 stars; one submission).

Conditions:
Currarino triad. Identifiers: Orphanet 1552, MedGen C1531773, MONDO:0008305, OMIM 176450.

Allele frequency attached by ClinVar (database versions not stated): gnomAD 0.00002; gnomAD exomes 0.00002; TOPMed 0.00002.
gnomAD v4.1: 33 of 1,522,646 alleles (0.0022%); highest among the groups gnomAD compares: Non-Finnish European, 0.0029%; no homozygotes.

Submission:

Labcorp Genetics (formerly Invitae), Labcorp
Classification: Uncertain significance. Last evaluated: 2023-07-10. Review status: criteria provided, single submitter. Criteria: Invitae Variant Classification Sherloc (09022015). Collection method: clinical testing. Allele origin: germline.
Comment: In summary, the available evidence is currently insufficient to determine the role of this variant in disease. Therefore, it has been classified as a Variant of Uncertain Significance. Experimental studies and prediction algorithms are not available or were not evaluated, and the functional significance of this variant is currently unknown. ClinVar contains an entry for this variant (Variation ID: 1414609). This variant has not been reported in the literature in individuals affected with MNX1-related conditions. This variant is not present in population databases (gnomAD no frequency). This sequence change replaces proline, which is neutral and non-polar, with serine, which is neutral and polar, at codon 398 of the MNX1 protein (p.Pro398Ser).